The following is an entry in ClinVar:

NM_000487.6(ARSA):c.418C>A (p.His140Asn)

Gene: ARSA (arylsulfatase A; minus strand). Cytogenetic location: 22q13.33.
Variant type: single nucleotide variant.
Coding change: c.418C>A on transcript NM_000487.6 (MANE Select); coding-DNA position 418, C replaced by A.
Protein change: p.His140Asn; replaces histidine 140 with asparagine.
Molecular consequence: missense variant.
Genome position (GRCh38, 1-based): chr22:50,627,213, G>T on the plus strand (C>A on the coding strand, the complement: ARSA is on the minus strand). VCF-style: chr22-50627213-G-T. GRCh37 (hg19) VCF-style: chr22-51065641-G-T.
Other names: c.418C>A, p.His140Asn (NM_001085425.3, NM_001085426.3, NM_001085427.3); c.160C>A, p.His54Asn (NM_001085428.3, NM_001362782.2); short protein forms H140N, H54N.
Identifiers: ClinVar variation 5003277 (VCV005003277.1).

ClinVar aggregate classification (germline): Uncertain significance (1 of 4 stars; one submission).

Conditions:
Metachromatic leukodystrophy (MLD). Also called: SULFATIDE LIPIDOSIS; ARSA DEFICIENCY; CEREBROSIDE SULFATASE DEFICIENCY; METACHROMATIC LEUKOENCEPHALOPATHY; Cerebral sclerosis diffuse metachromatic form; Arylsulfatase A Deficiency. Identifiers: Orphanet 512, MedGen C0023522, MONDO:0018868, OMIM 250100.

gnomAD v4.1: 7 of 1,612,002 alleles (0.00043%); highest among the groups gnomAD compares: African/African-American, 0.0013%; no homozygotes.

Submission:

Myriad Genetics, Inc.
Classification: Uncertain significance for Metachromatic leukodystrophy. Last evaluated: 2026-03-03. Review status: criteria provided, single submitter. Criteria: Myriad Autosomal Dominant, Autosomal Recessive and X-Linked Classification Criteria (2023). Collection method: clinical testing. Allele origin: unknown.
Comment: NM_000487.5(ARSA):c.418C>A(H140N) is a missense variant classified as a variant of uncertain significance in the context of metachromatic leukodystrophy. H140N has not been observed in cases with relevant disease. Relevant functional assessments of this variant are not available in the literature. H140N has not been observed in referenced population frequency databases. In summary, there is insufficient evidence to classify NM_000487.5(ARSA):c.418C>A(H140N) as pathogenic or benign. Please note: this variant was assessed in the context of healthy population screening.